The following is an entry in ClinVar:

NM_006231.4(POLE):c.1783A>G (p.Asn595Asp)

Gene: POLE (DNA polymerase epsilon, catalytic subunit; minus strand). Cytogenetic location: 12q24.33.
Variant type: single nucleotide variant.
Coding change: c.1783A>G on transcript NM_006231.4 (MANE Select); coding-DNA position 1783, A replaced by G.
Protein change: p.Asn595Asp; replaces asparagine 595 with aspartic acid.
Molecular consequence: missense variant.
Genome position (GRCh38, 1-based): chr12:132,672,226, T>C on the plus strand (A>G on the coding strand, the complement: POLE is on the minus strand). VCF-style: chr12-132672226-T-C. GRCh37 (hg19) VCF-style: chr12-133248812-T-C.
Other names: c.1783A>G (NM_006231.2); short protein forms N595D.
Identifiers: ClinVar variation 657239 (VCV000657239.9), dbSNP rs1593069244, ClinGen allele CA387356228.

ClinVar aggregate classification (germline): Uncertain significance. Review status: criteria provided, multiple submitters, no conflicts (2 of 4 stars). 2 submissions from 2 submitters: Uncertain significance (2). Last evaluated 2025-06-16.

Conditions:
Hereditary cancer-predisposing syndrome. Also called: Hereditary neoplastic syndrome; Tumor predisposition; Neoplastic Syndromes, Hereditary; Hereditary Cancer Syndrome. Identifiers: Orphanet 140162, MedGen C0027672, MeSH D009386, MONDO:0015356.

Allele frequency attached by ClinVar (database versions not stated): gnomAD exomes below 0.00001.
gnomAD v4.1: 3 of 1,613,248 alleles (0.00019%); highest among the groups gnomAD compares: African/African-American, 0.0013%; no homozygotes.

Submissions (2):

Ambry Genetics
Classification: Uncertain significance for Hereditary cancer-predisposing syndrome. Last evaluated: 2025-06-16. Review status: criteria provided, single submitter. Criteria: Ambry Variant Classification Scheme 2023. Collection method: clinical testing. Allele origin: germline.
Comment: The p.N595D variant (also known as c.1783A>G), located in coding exon 16 of the POLE gene, results from an A to G substitution at nucleotide position 1783. The asparagine at codon 595 is replaced by aspartic acid, an amino acid with highly similar properties. This amino acid position is conserved. In addition, this alteration is predicted to be tolerated by in silico analysis. Based on the available evidence, the clinical significance of this variant remains unclear.

Labcorp Genetics (formerly Invitae), Labcorp
Classification: Uncertain significance. Last evaluated: 2024-05-28. Review status: criteria provided, single submitter. Criteria: Invitae Variant Classification Sherloc (09022015). Collection method: clinical testing. Allele origin: germline.
Comment: This sequence change replaces asparagine, which is neutral and polar, with aspartic acid, which is acidic and polar, at codon 595 of the POLE protein (p.Asn595Asp). This variant is not present in population databases (gnomAD no frequency). This variant has not been reported in the literature in individuals affected with POLE-related conditions. ClinVar contains an entry for this variant (Variation ID: 657239). Advanced modeling of protein sequence and biophysical properties (such as structural, functional, and spatial information, amino acid conservation, physicochemical variation, residue mobility, and thermodynamic stability) performed at Invitae indicates that this missense variant is not expected to disrupt POLE protein function with a negative predictive value of 80%. In summary, the available evidence is currently insufficient to determine the role of this variant in disease. Therefore, it has been classified as a Variant of Uncertain Significance.